The following is an entry in ClinVar:

ClinVar aggregate classification (germline): Uncertain significance (1 of 4 stars; one submission).

Conditions:
Landau-Kleffner syndrome (FESD). Also called: EPILEPSY, FOCAL, WITH SPEECH DISORDER AND WITH OR WITHOUT MENTAL RETARDATION; APHASIA, ACQUIRED, WITH EPILEPSY. Identifiers: Orphanet 1945, Orphanet 725, Orphanet 98818, MedGen C0282512, MONDO:0009509, OMIM 245570.

Submission:

Labcorp Genetics (formerly Invitae), Labcorp
Classification: Uncertain significance for Landau-Kleffner syndrome. Last evaluated: 2024-10-23. Review status: criteria provided, single submitter. Criteria: Invitae Variant Classification Sherloc (09022015). Collection method: clinical testing. Allele origin: germline.
Comment: This sequence change replaces alanine, which is neutral and non-polar, with threonine, which is neutral and polar, at codon 764 of the GRIN2A protein (p.Ala764Thr). This variant is not present in population databases (gnomAD no frequency). This variant has not been reported in the literature in individuals affected with GRIN2A-related conditions. Invitae Evidence Modeling of protein sequence and biophysical properties (such as structural, functional, and spatial information, amino acid conservation, physicochemical variation, residue mobility, and thermodynamic stability) indicates that this missense variant is expected to disrupt GRIN2A protein function with a positive predictive value of 95%. In summary, the available evidence is currently insufficient to determine the role of this variant in disease. Therefore, it has been classified as a Variant of Uncertain Significance.

NM_001134407.3(GRIN2A):c.2290G>A (p.Ala764Thr)

Gene: GRIN2A (glutamate ionotropic receptor NMDA type subunit 2A; minus strand). Cytogenetic location: 16p13.2.
Variant type: single nucleotide variant.
Coding change: c.2290G>A on transcript NM_001134407.3 (MANE Select); coding-DNA position 2290, G replaced by A.
Protein change: p.Ala764Thr; replaces alanine 764 with threonine.
Molecular consequence: missense variant.
Genome position (GRCh38, 1-based): chr16:9,798,343, C>T on the plus strand (G>A on the coding strand, the complement: GRIN2A is on the minus strand). VCF-style: chr16-9798343-C-T. GRCh37 (hg19) VCF-style: chr16-9892200-C-T.
Other names: c.2290G>A, p.Ala764Thr (NM_000833.5, NM_001134408.2); short protein forms A764T.
Identifiers: ClinVar variation 2773073 (VCV002773073.3), dbSNP rs2506039007, ClinGen allele CA394797082.